The following is an entry in ClinVar:

ClinVar aggregate classification (germline): Uncertain significance (1 of 4 stars; one submission).

Submission:

Labcorp Genetics (formerly Invitae), Labcorp
Classification: Uncertain significance. Last evaluated: 2022-07-30. Review status: criteria provided, single submitter. Criteria: Invitae Variant Classification Sherloc (09022015). Collection method: clinical testing. Allele origin: germline.
Comment: A gross deletion of the genomic region encompassing the full coding sequence of the C17orf62 gene has been identified. The current clinical and genetic evidence is not sufficient to establish whether loss-of-function variants in C17orf62 cause disease. The boundaries of this event are unknown as they extend beyond the assayed region for this gene and therefore may encompass additional genes. This variant has not been reported in the literature in individuals affected with C17orf62-related conditions. In summary, the available evidence is currently insufficient to determine the role of this variant in disease. Therefore, it has been classified as a Variant of Uncertain Significance.

NC_000017.10:g.(?_80401880)_(80407130_?)del

Gene: CYBC1 (cytochrome b-245 chaperone 1; minus strand). Cytogenetic location: 17q25.3.
Variant type: Deletion.
Identifiers: ClinVar variation 2423506 (VCV002423506.2).